The following is an entry in ClinVar:

NM_012330.4(KAT6B):c.2589G>C (p.Gln863His)

Gene: KAT6B (lysine acetyltransferase 6B; plus strand). Cytogenetic location: 10q22.2.
Variant type: single nucleotide variant.
Coding change: c.2589G>C on transcript NM_012330.4 (MANE Select); coding-DNA position 2589, G replaced by C.
Protein change: p.Gln863His; replaces glutamine 863 with histidine.
Molecular consequence: missense variant.
Genome position (GRCh38, 1-based): chr10:74,989,072, G>C. VCF-style: chr10-74989072-G-C. GRCh37 (hg19) VCF-style: chr10-76748830-G-C.
Other names: c.2040G>C, p.Gln680His (NM_001256468.2, NM_001370138.1); c.1713G>C, p.Gln571His (NM_001256469.2, NM_001370139.1, NM_001370140.1 and 2 more transcripts); c.1551G>C, p.Gln517His (NM_001370132.1); c.900G>C, p.Gln300His (NM_001370133.1); c.504G>C, p.Gln168His (NM_001370134.1); c.246G>C, p.Gln82His (NM_001370135.1); c.2589G>C, p.Gln863His (NM_001370136.1, NM_001370137.1); c.1524G>C, p.Gln508His (NM_001370143.1, NM_001370144.1); short protein forms Q863H, Q300H, Q508H, Q517H, Q168H, Q680H, Q571H, Q82H.
Identifiers: ClinVar variation 451045 (VCV000451045.2), dbSNP rs374921300, ClinGen allele CA377294641.

ClinVar aggregate classification (germline): Uncertain significance (1 of 4 stars; one submission).

Submission:

GeneDx
Classification: Uncertain significance. Last evaluated: 2017-08-11. Review status: criteria provided, single submitter. Criteria: GeneDx Variant Classification (06012015). Collection method: clinical testing. Allele origin: germline. Affected: yes.
Comment: The Q863H variant in the KAT6B gene has not been reported previously as a pathogenic variant, nor as a benign variant, to our knowledge. The Q863H variant is not observed in large population cohorts (Lek et al., 2016; 1000 Genomes Consortium et al., 2015; Exome Variant Server). The Q863H variant is a semi-conservative amino acid substitution, which may impact secondary protein structure as these residues differ in some properties. This substitution occurs at a position that is conserved across species. In silico analysis predicts this variant is probably damaging to the protein structure/function. We interpret Q863H as a variant of uncertain significance.